The following is an entry in ClinVar:

ClinVar aggregate classification (germline): Pathogenic (1 of 4 stars; one submission).

Conditions:
alpha Thalassemia. Also called: Alpha thalassemia spectrum. Identifiers: Orphanet 846, MedGen C0002312, MONDO:0011399, OMIM 604131.

Submission:

Women's Health and Genetics/Laboratory Corporation of America, LabCorp
Classification: Pathogenic for alpha Thalassemia. Last evaluated: 2024-10-25. Review status: criteria provided, single submitter. Criteria: LabCorp Variant Classification Summary - May 2015. Collection method: clinical testing. Allele origin: germline.
Comment: Variant summary: HBA2 c.428A>T (p.X143LeuextX31) changes the termination codon and is predicted to lead to an extended protein with additional amino acids added to the normal C-terminus. This variant is also known as Hb Kinshasa. The variant was absent in 248882 control chromosomes. c.428A>T has been reported in the literature in at least one individual affected with Alpha Thalassemia (e.g. Deltombe_2022). Multiple other variants disrupting the termination codon and resulting in a similarly extended protein product have been classified as pathogenic by our lab and others in ClinVar, suggesting it is a common disease mechanism. The following publications have been ascertained in the context of this evaluation (PMID: 25786670, 35346645). No submitters have cited clinical-significance assessments for this variant to ClinVar. Based on the evidence outlined above, the variant was classified as pathogenic.

Literature cited by the submitters: PubMed 35346645; PubMed 25786670.

NM_000517.6(HBA2):c.428A>T (p.Ter143Leu)

Genes: HBA2 (hemoglobin subunit alpha 2; plus strand), LOC106804612 (hemoglobin subunit alpha 2 recombination region; plus strand). Cytogenetic location: 16p13.3.
Variant type: single nucleotide variant.
Coding change: c.428A>T on transcript NM_000517.6 (MANE Select); coding-DNA position 428, A replaced by T.
Protein change: p.Ter143Leu.
Molecular consequence: stop lost.
Genome position (GRCh38, 1-based): chr16:173,599, A>T. VCF-style: chr16-173599-A-T. GRCh37 (hg19) VCF-style: chr16-223598-A-T.
Identifiers: ClinVar variation 3385101 (VCV003385101.1).
Genomic context (GRCh38, chr16:173,599, plus strand): 5'-ACGCCTCCCTGGACAAGTTCCTGGCTTCTGTGAGCACCGTGCTGACCTCCAAATACCGTT[A>T]AGCTGGAGCCTCGGTAGCCGTTCCTCCTGCCCGCTGGGCCTCCCAACGGGCCCTCCTCCC-3'